The following is an entry in ClinVar:

ClinVar aggregate classification (germline): Pathogenic. Review status: criteria provided, multiple submitters, no conflicts (2 of 4 stars). 3 submissions from 3 submitters: Pathogenic (3). Last evaluated 2026-04-06.

Conditions:
Developmental disorder. Identifiers: MedGen C0008073.
Smith-Magenis syndrome (SMS). Also called: CHROMOSOME 17p11.2 DELETION SYNDROME. Identifiers: Orphanet 819, MedGen C0795864, MONDO:0008434, OMIM 182290.

Allele frequency attached by ClinVar (database versions not stated): TOPMed 0.00001.

Submissions (3):

GeneDx
Classification: Pathogenic. Last evaluated: 2026-04-06. Review status: criteria provided, single submitter. Criteria: GeneDx Variant Classification Process June 2021. Collection method: clinical testing. Allele origin: germline.
Comment: Nonsense variant predicted to result in protein truncation or nonsense mediated decay in a gene for which loss of function is a known mechanism of disease; Not observed at significant frequency in large population cohorts (gnomAD); This variant is associated with the following publications: (PMID: 35982159, 33057194)

Centre de Génétique Humaine, Institut de Pathologie Et de Génétique
Classification: Pathogenic for Smith-Magenis syndrome. Last evaluated: 2025-08-18. Review status: criteria provided, single submitter. Criteria: ACMG Guidelines, 2015. Collection method: clinical testing. Allele origin: de novo. Inheritance: Autosomal dominant inheritance. Affected: yes. Observed: 1 heterozygote.
Comment: Null variant in a gene where loss of function is a known mechanism of disease (PVS1) ; Extremely low frequency in gnomAD population databases (v4.1.0) (PM2) ; De novo in a patient with phenotype consistency, no family history and both maternity and paternity are confirmed (PS2) ; present in the litterature (DOI: 10.1002/9780470015902.a0021428).

Department of Genetics, Rouen University Hospital, Normandy Center for Genomic and Personalized Medicine
Classification: Pathogenic for Developmental disorder. Last evaluated: 2020-06-29. Review status: criteria provided, single submitter. Criteria: ACMG Guidelines, 2015. Collection method: clinical testing. Allele origin: de novo. Affected: yes.

Literature cited by the submitters: DOI 10.1002/9780470015902.a0021428 (cited by Centre de Génétique Humaine, Institut de Pathologie Et de Génétique).

NM_030665.4(RAI1):c.4810C>T (p.Arg1604Ter)

Gene: RAI1 (retinoic acid induced 1; plus strand). Cytogenetic location: 17p11.2.
Variant type: single nucleotide variant.
Coding change: c.4810C>T on transcript NM_030665.4 (MANE Select); coding-DNA position 4810, C replaced by T.
Protein change: p.Arg1604Ter; replaces arginine 1604 with a stop codon.
Molecular consequence: nonsense.
Genome position (GRCh38, 1-based): chr17:17,797,758, C>T. VCF-style: chr17-17797758-C-T. GRCh37 (hg19) VCF-style: chr17-17701072-C-T.
Other names: short protein forms R1604*.
Identifiers: ClinVar variation 2430023 (VCV002430023.5), dbSNP rs2032316656, ClinGen allele CA398557567.